The following is an entry in ClinVar:

ClinVar aggregate classification (germline): Uncertain significance. Review status: criteria provided, multiple submitters, no conflicts (2 of 4 stars). 3 submissions from 3 submitters: Uncertain significance (3). Last evaluated 2025-12-24.

Conditions:
Familial thoracic aortic aneurysm and aortic dissection (TAAD). Also called: Thoracic aortic aneurysms and dissections. Identifiers: Orphanet 91387, MedGen C4707243, MONDO:0019625.
Congenital contractural arachnodactyly (CCA). Also called: Beals-Hecht syndrome; BEALS SYNDROME; Arthrogryposis, distal, type 9. Identifiers: Orphanet 115, MedGen C0220668, MONDO:0007363, OMIM 121050.

Allele frequency attached by ClinVar (database versions not stated): ExAC 0.00001; TOPMed 0.00003; gnomAD exomes 0.00005 and 0.00002; ESP Exome Variant Server 0.00008; gnomAD 0.00002.
gnomAD v4.1: 77 of 1,613,982 alleles (0.0048%); highest among the groups gnomAD compares: Non-Finnish European, 0.0062%; no homozygotes.

Submissions (3):

Labcorp Genetics (formerly Invitae), Labcorp
Classification: Uncertain significance for Congenital contractural arachnodactyly. Last evaluated: 2025-12-24. Review status: criteria provided, single submitter. Criteria: Invitae Variant Classification Sherloc (09022015). Collection method: clinical testing. Allele origin: germline.
Comment: This sequence change replaces glycine, which is neutral and non-polar, with glutamic acid, which is acidic and polar, at codon 2736 of the FBN2 protein (p.Gly2736Glu). This variant is present in population databases (rs149180427, gnomAD 0.006%). This missense change has been observed in individuals with aortic root dilatation and/or clinical features of congenital contractural arachnodactyly (internal data). ClinVar contains an entry for this variant (Variation ID: 213369). Invitae Evidence Modeling of protein sequence and biophysical properties (such as structural, functional, and spatial information, amino acid conservation, physicochemical variation, residue mobility, and thermodynamic stability) has been performed for this missense variant. However, the output from this modeling did not meet the statistical confidence thresholds required to predict the impact of this variant on FBN2 protein function. In summary, the available evidence is currently insufficient to determine the role of this variant in disease. Therefore, it has been classified as a Variant of Uncertain Significance.

Ambry Genetics
Classification: Uncertain significance for Familial thoracic aortic aneurysm and aortic dissection. Last evaluated: 2025-01-14. Review status: criteria provided, single submitter. Criteria: Ambry Variant Classification Scheme 2023. Collection method: clinical testing. Allele origin: germline.
Comment: The p.G2736E variant (also known as c.8207G>A), located in coding exon 64 of the FBN2 gene, results from a G to A substitution at nucleotide position 8207. The glycine at codon 2736 is replaced by glutamic acid, an amino acid with similar properties. This amino acid position is highly conserved in available vertebrate species. In addition, this alteration is predicted to be deleterious by in silico analysis. Based on the available evidence, the clinical significance of this variant remains unclear.

GeneDx
Classification: Uncertain significance. Last evaluated: 2024-06-10. Review status: criteria provided, single submitter. Criteria: GeneDx Variant Classification Process June 2021. Collection method: clinical testing. Allele origin: germline. Affected: yes.
Comment: Has not been previously published as pathogenic or benign to our knowledge; In silico analysis supports that this missense variant has a deleterious effect on protein structure/function; Does not occur within a calcium-binding-EGF-like domain (PMID: 19006240, 18767143); This variant is associated with the following publications: (PMID: 18767143, 19006240)

NM_001999.4(FBN2):c.8207G>A (p.Gly2736Glu)

Gene: FBN2 (fibrillin 2; minus strand). Cytogenetic location: 5q23.3.
Variant type: single nucleotide variant.
Coding change: c.8207G>A on transcript NM_001999.4 (MANE Select); coding-DNA position 8207, G replaced by A.
Protein change: p.Gly2736Glu; replaces glycine 2736 with glutamic acid.
Molecular consequence: missense variant.
Genome position (GRCh38, 1-based): chr5:128,261,893, C>T on the plus strand (G>A on the coding strand, the complement: FBN2 is on the minus strand). VCF-style: chr5-128261893-C-T. GRCh37 (hg19) VCF-style: chr5-127597585-C-T.
Other names: short protein forms G2736E.
Identifiers: ClinVar variation 213369 (VCV000213369.15), dbSNP rs149180427, ClinGen allele CA321883.
Genomic context (GRCh38, chr5:128,261,893, plus strand): 5'-GCATTTTCCTCATCGACCTCTGTATCCAGTGACAGGTACTGCCCCTTGTTAAATCCCATT[C>T]CTGAGACACAGTGGCTATTTGCAAAAAGCAAAGTATTGTTAGACTTTATCACTGACTTGA-3'
Protein context (NP_001990.2, residues 2726-2746): YRVGQGHCVS[Gly2736Glu]MGFNKGQYLS